The following is an entry in ClinVar:

NM_004407.4(DMP1):c.55-1G>C

Genes: DMP1-AS1 (DMP1 and DSPP antisense RNA 1; minus strand), DMP1 (dentin matrix acidic phosphoprotein 1; plus strand). Cytogenetic location: 4q22.1.
Variant type: single nucleotide variant.
Coding change: c.55-1G>C on transcript NM_004407.4 (MANE Select); the canonical splice acceptor site of the intron before coding-DNA position 55, G replaced by C.
Molecular consequence: splice acceptor variant.
Genome position (GRCh38, 1-based): chr4:87,657,031, G>C. VCF-style: chr4-87657031-G-C. GRCh37 (hg19) VCF-style: chr4-88578183-G-C.
Other names: IVS2, G-C, -1; c.55-1G>C (NM_001079911.3).
Identifiers: ClinVar variation 8574 (VCV000008574.9), dbSNP rs587776697, ClinGen allele CA119760.
Genomic context (GRCh38, chr4:87,657,031, plus strand): 5'-GTTAATAACTATTGCTTTAGAAATTTCTCTTTGGATTTACCATGTGTACTAAATTTTCTA[G>C]GTAACCAGGTATCAAAATAATGAATCTGAGGATTCTGAAGAATGGAAGGTGAGTAGAAAT-3'

ClinVar aggregate classification (germline): Pathogenic/Likely pathogenic. Review status: criteria provided, multiple submitters, no conflicts (2 of 4 stars). 4 submissions from 4 submitters: Pathogenic (2); Likely pathogenic (1). 1 of the submissions does not count toward it. Last evaluated 2023-02-08.

Conditions:
Hypophosphatemic rickets, autosomal recessive, 1 (ARHR1). Also called: HYPOPHOSPHATEMIA, AUTOSOMAL RECESSIVE. Identifiers: Orphanet 289176, MedGen C4551495, MONDO:0009430, OMIM 241520. Disease mechanism: loss of function.

Allele frequency attached by ClinVar (database versions not stated): gnomAD exomes below 0.00001 and 0.00001; ExAC 0.00001; gnomAD 0.00002; TOPMed 0.00002.
gnomAD v4.1: 14 of 1,539,902 alleles (0.00091%); highest among the groups gnomAD compares: Admixed American, 0.0017%; no homozygotes.

Submissions (4):

Labcorp Genetics (formerly Invitae), Labcorp
Classification: Pathogenic. Last evaluated: 2023-02-08. Review status: criteria provided, single submitter. Criteria: Invitae Variant Classification Sherloc (09022015). Collection method: clinical testing. Allele origin: germline.
Comment: This sequence change affects an acceptor splice site in intron 2 of the DMP1 gene. It is expected to disrupt RNA splicing. Variants that disrupt the donor or acceptor splice site typically lead to a loss of protein function (PMID: 16199547), and loss-of-function variants in DMP1 are known to be pathogenic (PMID: 16294270, 17033621, 19007919). This variant is present in population databases (rs587776697, gnomAD 0.007%). Disruption of this splice site has been observed in individual(s) with autosomal recessive hypophosphatemic rickets (PMID: 17033625). It has also been observed to segregate with disease in related individuals. ClinVar contains an entry for this variant (Variation ID: 8574). Algorithms developed to predict the effect of sequence changes on RNA splicing suggest that this variant may disrupt the consensus splice site. For these reasons, this variant has been classified as Pathogenic.

Fulgent Genetics
Classification: Likely pathogenic for Hypophosphatemic rickets, autosomal recessive, 1. Last evaluated: 2022-04-12. Review status: criteria provided, single submitter. Criteria: ACMG Guidelines, 2015. Collection method: clinical testing. Allele origin: unknown.

Institute of Human Genetics Munich, TUM University Hospital
Classification: Pathogenic for Hypophosphatemic rickets, autosomal recessive, 1. Last evaluated: 2015-04-20. Review status: criteria provided, single submitter. Criteria: Classification criteria August 2017. Collection method: clinical testing. Allele origin: inherited. Inheritance: Autosomal recessive inheritance. Affected: yes. Observed: 2 homozygotes.

OMIM
Classification: Pathogenic for HYPOPHOSPHATEMIC RICKETS, AUTOSOMAL RECESSIVE, 1. Last evaluated: 2006-11-01. Review status: no assertion criteria provided. Collection method: literature only. Allele origin: germline. Not counted in ClinVar's aggregate classification.

Literature cited by the submitters: PubMed 16199547 (cited by Labcorp Genetics (formerly Invitae), Labcorp); PubMed 16294270 (cited by Labcorp Genetics (formerly Invitae), Labcorp); PubMed 17033621 (cited by Labcorp Genetics (formerly Invitae), Labcorp); PubMed 19007919 (cited by Labcorp Genetics (formerly Invitae), Labcorp); PubMed 17033625 (cited by 3 submitters).